The following is an entry in ClinVar:

ClinVar aggregate classification (germline): Uncertain significance (1 of 4 stars; one submission).

Allele frequency attached by ClinVar (database versions not stated): TOPMed 0.00002.
gnomAD v4.1: 1 of 1,613,712 alleles (0.000062%); highest among the groups gnomAD compares: Non-Finnish European, 0.000085%; no homozygotes.

Submission:

Labcorp Genetics (formerly Invitae), Labcorp
Classification: Uncertain significance. Last evaluated: 2021-02-17. Review status: criteria provided, single submitter. Criteria: Invitae Variant Classification Sherloc (09022015). Collection method: clinical testing. Allele origin: germline.
Comment: Algorithms developed to predict the effect of missense changes on protein structure and function output the following: SIFT: "Tolerated"; PolyPhen-2: "Benign"; Align-GVGD: "Class C0". The threonine amino acid residue is found in multiple mammalian species, suggesting that this missense change does not adversely affect protein function. These predictions have not been confirmed by published functional studies and their clinical significance is uncertain. This variant has not been reported in the literature in individuals with VCAN-related conditions. This variant is not present in population databases (ExAC no frequency). This sequence change replaces isoleucine with threonine at codon 3026 of the VCAN protein (p.Ile3026Thr). The isoleucine residue is weakly conserved and there is a moderate physicochemical difference between isoleucine and threonine. In summary, the available evidence is currently insufficient to determine the role of this variant in disease. Therefore, it has been classified as a Variant of Uncertain Significance.

NM_004385.5(VCAN):c.9077T>C (p.Ile3026Thr)

Genes: VCAN (versican; plus strand), VCAN-AS1 (VCAN antisense RNA 1; minus strand). Cytogenetic location: 5q14.3.
Variant type: single nucleotide variant.
Coding change: c.9077T>C on transcript NM_004385.5 (MANE Select); coding-DNA position 9077, T replaced by C.
Protein change: p.Ile3026Thr; replaces isoleucine 3026 with threonine.
Molecular consequence: missense variant. On other transcripts: intron variant (2).
Genome position (GRCh38, 1-based): chr5:83,542,080, T>C. VCF-style: chr5-83542080-T-C. GRCh37 (hg19) VCF-style: chr5-82837899-T-C.
Other names: c.6116T>C, p.Ile2039Thr (NM_001164097.2); c.4004-3457T>C (NM_001164098.2); c.1043-3457T>C (NM_001126336.3); short protein forms I2039T, I3026T.
Identifiers: ClinVar variation 1409887 (VCV001409887.8), dbSNP rs1747026354, ClinGen allele CA360294880.